The following is an entry in ClinVar:

ClinVar aggregate classification (germline): Uncertain significance (1 of 4 stars; one submission).

Conditions:
Disseminated atypical mycobacterial infection. Identifiers: MedGen C0694566.

Allele frequency attached by ClinVar (database versions not stated): gnomAD exomes below 0.00001.
gnomAD v4.1: 1 of 1,614,174 alleles (0.000062%); highest among the groups gnomAD compares: East Asian, 0.0022%; no homozygotes.

Submission:

Labcorp Genetics (formerly Invitae), Labcorp
Classification: Uncertain significance for Disseminated atypical mycobacterial infection. Last evaluated: 2021-12-18. Review status: criteria provided, single submitter. Criteria: Invitae Variant Classification Sherloc (09022015). Collection method: clinical testing. Allele origin: germline.
Comment: In summary, the available evidence is currently insufficient to determine the role of this variant in disease. Therefore, it has been classified as a Variant of Uncertain Significance. Algorithms developed to predict the effect of missense changes on protein structure and function (SIFT, PolyPhen-2, Align-GVGD) all suggest that this variant is likely to be tolerated. This variant has not been reported in the literature in individuals affected with IFNGR1-related conditions. This variant is not present in population databases (gnomAD no frequency). This sequence change replaces glutamic acid, which is acidic and polar, with glutamine, which is neutral and polar, at codon 377 of the IFNGR1 protein (p.Glu377Gln).

NM_000416.3(IFNGR1):c.1129G>C (p.Glu377Gln)

Gene: IFNGR1 (interferon gamma receptor 1; minus strand). Cytogenetic location: 6q23.3.
Variant type: single nucleotide variant.
Coding change: c.1129G>C on transcript NM_000416.3 (MANE Select); coding-DNA position 1129, G replaced by C.
Protein change: p.Glu377Gln; replaces glutamic acid 377 with glutamine.
Molecular consequence: missense variant.
Genome position (GRCh38, 1-based): chr6:137,198,372, C>G on the plus strand (G>C on the coding strand, the complement: IFNGR1 is on the minus strand). VCF-style: chr6-137198372-C-G. GRCh37 (hg19) VCF-style: chr6-137519509-C-G.
Other names: c.1099G>C, p.Glu367Gln (NM_001363526.1); c.1006G>C, p.Glu336Gln (NM_001363527.1); short protein forms E367Q, E377Q, E336Q.
Identifiers: ClinVar variation 2046689 (VCV002046689.4), dbSNP rs2114443554, ClinGen allele CA365772661.